The following is an entry in ClinVar:

ClinVar aggregate classification (germline): Benign/Likely benign. Review status: criteria provided, multiple submitters, no conflicts (2 of 4 stars). 2 submissions from 2 submitters: Benign (1); Likely benign (1). Last evaluated 2025-03-10.

Conditions:
Hereditary cancer-predisposing syndrome. Also called: Tumor predisposition; Hereditary Cancer Syndrome; Hereditary neoplastic syndrome; Neoplastic Syndromes, Hereditary. Identifiers: Orphanet 140162, MedGen C0027672, MeSH D009386, MONDO:0015356.
Pheochromocytoma/paraganglioma syndrome 5. Also called: Paragangliomas 5; SDHA-Related Hereditary Paraganglioma-Pheochromocytoma Syndrome. Identifiers: Orphanet 29072, MedGen C3279992, MONDO:0013602, OMIM 614165.

Allele frequency attached by ClinVar (database versions not stated): gnomAD exomes below 0.00001.
gnomAD v4.1: 1 of 1,614,036 alleles (0.000062%); highest among the groups gnomAD compares: South Asian, 0.0011%; no homozygotes.

Submissions (2):

Myriad Genetics, Inc.
Classification: Benign for Pheochromocytoma/paraganglioma syndrome 5. Last evaluated: 2025-03-10. Review status: criteria provided, single submitter. Criteria: Myriad Autosomal Dominant, Autosomal Recessive and X-Linked Classification Criteria (2023). Collection method: clinical testing. Allele origin: unknown.
Comment: This variant is considered benign. This variant is a silent/synonymous amino acid change and it is not expected to impact splicing.

Ambry Genetics
Classification: Likely benign for Hereditary cancer-predisposing syndrome. Last evaluated: 2021-11-17. Review status: criteria provided, single submitter. Criteria: Ambry Variant Classification Scheme 2023. Collection method: clinical testing. Allele origin: germline.

NM_004168.4(SDHA):c.1395G>A (p.Arg465=)

Gene: SDHA (succinate dehydrogenase complex flavoprotein subunit A; plus strand). Cytogenetic location: 5p15.33.
Variant type: single nucleotide variant.
Coding change: c.1395G>A on transcript NM_004168.4 (MANE Select); coding-DNA position 1395, G replaced by A.
Protein change: p.Arg465=; no amino-acid change (arginine 465 retained).
Molecular consequence: synonymous variant.
Genome position (GRCh38, 1-based): chr5:236,562, G>A. VCF-style: chr5-236562-G-A. GRCh37 (hg19) VCF-style: chr5-236677-G-A.
Other names: c.1251G>A, p.Arg417= (NM_001294332.2); c.1395G>A, p.Arg465= (NM_001330758.2).
Identifiers: ClinVar variation 1771625 (VCV001771625.3), dbSNP rs2477376655, ClinGen allele CA442692144.